The following is an entry in ClinVar:

NM_000465.4(BARD1):c.592G>C (p.Ala198Pro)

Gene: BARD1 (BRCA1 associated RING domain 1; minus strand). Cytogenetic location: 2q35.
Variant type: single nucleotide variant.
Coding change: c.592G>C on transcript NM_000465.4 (MANE Select); coding-DNA position 592, G replaced by C.
Protein change: p.Ala198Pro; replaces alanine 198 with proline.
Molecular consequence: missense variant. On other transcripts: non-coding transcript variant (2), intron variant (3).
Genome position (GRCh38, 1-based): chr2:214,781,282, C>G on the plus strand (G>C on the coding strand, the complement: BARD1 is on the minus strand). VCF-style: chr2-214781282-C-G. GRCh37 (hg19) VCF-style: chr2-215646006-C-G.
Other names: c.535G>C, p.Ala179Pro (NM_001282543.2); c.158+28130G>C (NM_001282548.2); c.215+15779G>C (NM_001282545.2); c.364+11015G>C (NM_001282549.2); short protein forms A198P, A179P.
Identifiers: ClinVar variation 581711 (VCV000581711.14), dbSNP rs748834249, ClinGen allele CA2090406.

ClinVar aggregate classification (germline): Uncertain significance. Review status: criteria provided, multiple submitters, no conflicts (2 of 4 stars). 3 submissions from 3 submitters: Uncertain significance (3). Last evaluated 2025-07-31.

Conditions:
Hereditary cancer-predisposing syndrome. Also called: Neoplastic Syndromes, Hereditary; Hereditary Cancer Syndrome; Tumor predisposition; Hereditary neoplastic syndrome. Identifiers: Orphanet 140162, MedGen C0027672, MeSH D009386, MONDO:0015356.
Familial cancer of breast. Also called: Hereditary breast cancer; hereditary breast carcinoma; BREAST CANCER, FAMILIAL. Identifiers: Orphanet 227535, MedGen C0346153, MONDO:0016419, OMIM 114480. Disease mechanism: loss of function.

Submissions (3):

Labcorp Genetics (formerly Invitae), Labcorp
Classification: Uncertain significance for Familial cancer of breast. Last evaluated: 2025-07-31. Review status: criteria provided, single submitter. Criteria: Invitae Variant Classification Sherloc (09022015). Collection method: clinical testing. Allele origin: germline.
Comment: This sequence change replaces alanine, which is neutral and non-polar, with proline, which is neutral and non-polar, at codon 198 of the BARD1 protein (p.Ala198Pro). This variant is not present in population databases (gnomAD no frequency). This variant has not been reported in the literature in individuals affected with BARD1-related conditions. ClinVar contains an entry for this variant (Variation ID: 581711). An algorithm developed to predict the effect of missense changes on protein structure and function outputs the following: PolyPhen-2: "Benign". The proline amino acid residue is found in multiple mammalian species, which suggests that this missense change does not adversely affect protein function. In summary, the available evidence is currently insufficient to determine the role of this variant in disease. Therefore, it has been classified as a Variant of Uncertain Significance.

Ambry Genetics
Classification: Uncertain significance for Hereditary cancer-predisposing syndrome. Last evaluated: 2025-05-16. Review status: criteria provided, single submitter. Criteria: Ambry Variant Classification Scheme 2023. Collection method: clinical testing. Allele origin: germline.
Comment: The p.A198P variant (also known as c.592G>C), located in coding exon 4 of the BARD1 gene, results from a G to C substitution at nucleotide position 592. The alanine at codon 198 is replaced by proline, an amino acid with highly similar properties. This amino acid position is not well conserved in available vertebrate species, and proline is the reference amino acid in other vertebrate species. In addition, this alteration is predicted to be tolerated by in silico analysis. Since supporting evidence is limited at this time, the clinical significance of this alteration remains unclear.

Color Diagnostics, LLC DBA Color Health
Classification: Uncertain significance for Hereditary cancer-predisposing syndrome. Last evaluated: 2024-01-29. Review status: criteria provided, single submitter. Criteria: ACMG Guidelines, 2015. Collection method: clinical testing. Allele origin: germline.
Comment: This missense variant replaces alanine with proline at codon 198 of the BARD1 protein. Computational prediction suggests that this variant may not impact protein structure and function. To our knowledge, functional studies have not been reported for this variant. This variant has not been reported in individuals affected with BARD1-related disorders in the literature. This variant has not been identified in the general population by the Genome Aggregation Database (gnomAD). The available evidence is insufficient to determine the role of this variant in disease conclusively. Therefore, this variant is classified as a Variant of Uncertain Significance.